The following is an entry in ClinVar:

ClinVar aggregate classification (germline): Uncertain significance (1 of 4 stars; one submission).

Conditions:
Hereditary cancer-predisposing syndrome. Also called: Neoplastic Syndromes, Hereditary; Tumor predisposition; Hereditary Cancer Syndrome; Hereditary neoplastic syndrome. Identifiers: Orphanet 140162, MedGen C0027672, MeSH D009386, MONDO:0015356.

gnomAD v4.1: 2 of 1,612,306 alleles (0.00012%); highest among the groups gnomAD compares: Non-Finnish European, 0.00017%; no homozygotes.

Submission:

Ambry Genetics
Classification: Uncertain significance for Hereditary cancer-predisposing syndrome. Last evaluated: 2024-09-17. Review status: criteria provided, single submitter. Criteria: Ambry Variant Classification Scheme 2023. Collection method: clinical testing. Allele origin: germline.
Comment: The p.H298Q variant (also known as c.894C>G), located in coding exon 8 of the APC gene, results from a C to G substitution at nucleotide position 894. The histidine at codon 298 is replaced by glutamine, an amino acid with highly similar properties. This amino acid position is not well conserved in available vertebrate species. Missense alterations in APC are not a common cause of disease (Spier I et al. Genet Med. 2024 Feb;26(2):100992). In addition, in silico predictors for this gene do not accurately predict pathogenicity. Based on the available evidence, the clinical significance of this variant remains unclear.

NM_000038.6(APC):c.894C>G (p.His298Gln)

Gene: APC (APC regulator of Wnt signaling pathway; plus strand). Cytogenetic location: 5q22.2.
Variant type: single nucleotide variant.
Coding change: c.894C>G on transcript NM_000038.6 (MANE Select); coding-DNA position 894, C replaced by G.
Protein change: p.His298Gln; replaces histidine 298 with glutamine.
Molecular consequence: missense variant. On other transcripts: non-coding transcript variant (2).
Genome position (GRCh38, 1-based): chr5:112,815,554, C>G. VCF-style: chr5-112815554-C-G. GRCh37 (hg19) VCF-style: chr5-112151251-C-G.
Other names: c.894C>G, p.His298Gln (NM_001127510.3, NM_001354895.2, NM_001354896.2 and 12 more transcripts); c.840C>G, p.His280Gln (NM_001127511.3); c.924C>G, p.His308Gln (NM_001354897.2, NM_001354902.2, NM_001407446.1); c.819C>G, p.His273Gln (NM_001354898.2, NM_001354904.2, NM_001407451.1); c.810C>G, p.His270Gln (NM_001354899.2, NM_001407452.1, NM_001407467.1 and 1 more transcripts); c.717C>G, p.His239Gln (NM_001354900.2, NM_001354901.2, NM_001354905.2 and 1 more transcripts); c.45C>G, p.His15Gln (NM_001354906.2, NM_001407470.1, NM_001407471.1 and 1 more transcripts); short protein forms H270Q, H298Q, H273Q, H308Q, H15Q, H280Q, H239Q.
Identifiers: ClinVar variation 3410760 (VCV003410760.1).
Genomic context (GRCh38, chr5:112,815,554, plus strand): 5'-GGGTTCAACTACACGAATGGACCATGAAACAGCCAGTGTTTTGAGTTCTAGTAGCACACA[C>G]TCTGCACCTCGAAGGCTGACAAGTCATCTGGGAACCAAGGTAACAGAAGATTACAAACCC-3'
Protein context (NP_000029.2, residues 288-308): TASVLSSSST[His298Gln]SAPRRLTSHL